The following is an entry in ClinVar:

ClinVar aggregate classification (germline): Uncertain significance (1 of 4 stars; one submission).

Conditions:
Norman-Roberts syndrome (LIS2). Also called: Lissencephaly 2 (Norman-Roberts type). Identifiers: Orphanet 89844, MedGen C0796089, MONDO:0009760, OMIM 257320.
Familial temporal lobe epilepsy 7. Identifiers: Orphanet 101046, MedGen C4225327, MONDO:0014639, OMIM 616436.

Allele frequency attached by ClinVar (database versions not stated): gnomAD exomes below 0.00001; TOPMed below 0.00001.
gnomAD v4.1: 2 of 1,614,152 alleles (0.00012%); highest among the groups gnomAD compares: Non-Finnish European, 0.00017%; no homozygotes.

Submission:

Labcorp Genetics (formerly Invitae), Labcorp
Classification: Uncertain significance for Familial temporal lobe epilepsy 7; Norman-Roberts syndrome. Last evaluated: 2024-09-05. Review status: criteria provided, single submitter. Criteria: Invitae Variant Classification Sherloc (09022015). Collection method: clinical testing. Allele origin: germline.
Comment: This sequence change replaces isoleucine, which is neutral and non-polar, with threonine, which is neutral and polar, at codon 2769 of the RELN protein (p.Ile2769Thr). This variant is not present in population databases (gnomAD no frequency). This variant has not been reported in the literature in individuals affected with RELN-related conditions. ClinVar contains an entry for this variant (Variation ID: 957129). Invitae Evidence Modeling of protein sequence and biophysical properties (such as structural, functional, and spatial information, amino acid conservation, physicochemical variation, residue mobility, and thermodynamic stability) indicates that this missense variant is not expected to disrupt RELN protein function with a negative predictive value of 80%. In summary, the available evidence is currently insufficient to determine the role of this variant in disease. Therefore, it has been classified as a Variant of Uncertain Significance.

NM_005045.4(RELN):c.8306T>C (p.Ile2769Thr)

Genes: SLC26A5-AS1 (SLC26A5 antisense RNA 1; plus strand), RELN (reelin; minus strand). Cytogenetic location: 7q22.1.
Variant type: single nucleotide variant.
Coding change: c.8306T>C on transcript NM_005045.4 (MANE Select); coding-DNA position 8306, T replaced by C.
Protein change: p.Ile2769Thr; replaces isoleucine 2769 with threonine.
Molecular consequence: missense variant.
Genome position (GRCh38, 1-based): chr7:103,503,199, A>G on the plus strand (T>C on the coding strand, the complement: RELN is on the minus strand). VCF-style: chr7-103503199-A-G. GRCh37 (hg19) VCF-style: chr7-103143646-A-G.
Other names: c.8306T>C, p.Ile2769Thr (NM_173054.3); short protein forms I2769T.
Identifiers: ClinVar variation 957129 (VCV000957129.9), dbSNP rs997515801, ClinGen allele CA163913393.
Genomic context (GRCh38, chr7:103,503,199, plus strand): 5'-AGATAATTCCAACTCACACCGAAGTCAGTAGAATACTGCACATGAATTTGATTCTGGGCA[A>G]TTTTTTCAGACACCTTACATCCAACTGAGATCTAATAAACAGAAAAACAAGATCAAGGTA-3'
Protein context (NP_005036.2, residues 2759-2779): ISVGCKVSEK[Ile2769Thr]AQNQIHVQYS